The following is an entry in ClinVar:

ClinVar aggregate classification (germline): Benign. Review status: criteria provided, single submitter (1 of 4 stars). 2 submissions from 2 submitters: Benign (1). 1 of the submissions does not count toward it. Last evaluated 2022-02-05.

Conditions:
Epilepsy, idiopathic generalized, susceptibility to, 13. Also called: EPILEPSY, JUVENILE MYOCLONIC, SUSCEPTIBILITY TO, 5. Identifiers: Orphanet 307, Orphanet 64280, MedGen C4013473, MONDO:0012627, OMIM 611136.
Idiopathic generalized epilepsy. Also called: Generalised epilepsy; EIG. Identifiers: MedGen C0270850, MONDO:0005579, OMIM 600669.
Epilepsy, childhood absence 4 (ECA4). Also called: EPILEPSY, CHILDHOOD ABSENCE, SUSCEPTIBILITY TO, 4. Identifiers: Orphanet 307, MedGen C1970160.
GABRA1-related disorder. Also called: GABRA1-related condition.

Allele frequency attached by ClinVar (database versions not stated): gnomAD exomes below 0.00001 and 0.00001.

Submissions (2):

Labcorp Genetics (formerly Invitae), Labcorp
Classification: Benign for Epilepsy, childhood absence 4; Epilepsy, idiopathic generalized, susceptibility to, 13; Idiopathic generalized epilepsy. Last evaluated: 2022-02-05. Review status: criteria provided, single submitter. Criteria: Invitae Variant Classification Sherloc (09022015). Collection method: clinical testing. Allele origin: germline.

PreventionGenetics, part of Exact Sciences
Classification: Likely benign for GABRA1-related condition. Last evaluated: 2023-02-13. Review status: no assertion criteria provided. Collection method: clinical testing. Allele origin: germline. Not counted in ClinVar's aggregate classification.
Comment: This variant is classified as likely benign based on ACMG/AMP sequence variant interpretation guidelines (Richards et al. 2015 PMID: 25741868, with internal and published modifications).

NM_001127644.2(GABRA1):c.857-3C>T

Gene: GABRA1 (gamma-aminobutyric acid type A receptor subunit alpha1; plus strand). Cytogenetic location: 5q34.
Variant type: single nucleotide variant.
Coding change: c.857-3C>T on transcript NM_001127644.2 (MANE Select); 3 bases into the intron before coding-DNA position 857, C replaced by T.
Molecular consequence: intron variant.
Genome position (GRCh38, 1-based): chr5:161,895,663, C>T. VCF-style: chr5-161895663-C-T. GRCh37 (hg19) VCF-style: chr5-161322669-C-T.
Other names: c.857-3C>T (NM_000806.5, NM_001127643.2, NM_001127645.2 and 1 more transcripts).
Identifiers: ClinVar variation 1601417 (VCV001601417.10), dbSNP rs1323709924, ClinGen allele CA564438695.